The following is an entry in ClinVar:

ClinVar aggregate classification (germline): Pathogenic (1 of 4 stars; one submission).

Submission:

Labcorp Genetics (formerly Invitae), Labcorp
Classification: Pathogenic. Last evaluated: 2021-04-04. Review status: criteria provided, single submitter. Criteria: Invitae Variant Classification Sherloc (09022015). Collection method: clinical testing. Allele origin: germline.
Comment: For these reasons, this variant has been classified as Pathogenic. This variant has not been reported in the literature in individuals with EYS-related conditions. This variant is not present in population databases (ExAC no frequency). This sequence change creates a premature translational stop signal (p.Gln1843*) in the EYS gene. It is expected to result in an absent or disrupted protein product. Loss-of-function variants in EYS are known to be pathogenic (PMID: 18836446, 20333770).

Literature cited by the submitters: PubMed 18836446; PubMed 20333770.

NM_001142800.2(EYS):c.5527C>T (p.Gln1843Ter)

Gene: EYS (EGF-like photoreceptor maintenance factor; minus strand). Cytogenetic location: 6q12.
Variant type: single nucleotide variant.
Coding change: c.5527C>T on transcript NM_001142800.2 (MANE Select); coding-DNA position 5527, C replaced by T.
Protein change: p.Gln1843Ter; replaces glutamine 1843 with a stop codon.
Molecular consequence: nonsense.
Genome position (GRCh38, 1-based): chr6:64,590,340, G>A on the plus strand (C>T on the coding strand, the complement: EYS is on the minus strand). VCF-style: chr6-64590340-G-A. GRCh37 (hg19) VCF-style: chr6-65300233-G-A.
Other names: c.5527C>T, p.Gln1843Ter (NM_001292009.2); short protein forms Q1843*.
Identifiers: ClinVar variation 1451435 (VCV001451435.6), dbSNP rs2149830992, ClinGen allele CA364780910.